The following is an entry in ClinVar:

ClinVar aggregate classification (germline): Pathogenic (1 of 4 stars; one submission).

Conditions:
Bloom syndrome (BLM). Also called: Bloom-Torre-Machacek syndrome. Identifiers: Orphanet 125, MedGen C0005859, MONDO:0008876, OMIM 210900.

Submission:

Labcorp Genetics (formerly Invitae), Labcorp
Classification: Pathogenic for Bloom syndrome. Last evaluated: 2025-06-27. Review status: criteria provided, single submitter. Criteria: Invitae Variant Classification Sherloc (09022015). Collection method: clinical testing. Allele origin: germline.
Comment: This sequence change creates a premature translational stop signal (p.Glu1212*) in the BLM gene. It is expected to result in an absent or disrupted protein product. Loss-of-function variants in BLM are known to be pathogenic (PMID: 17407155). This variant is not present in population databases (gnomAD no frequency). This variant has not been reported in the literature in individuals affected with BLM-related conditions. ClinVar contains an entry for this variant (Variation ID: 1070833). Algorithms developed to predict the effect of sequence changes on RNA splicing suggest that this variant may disrupt the consensus splice site. For these reasons, this variant has been classified as Pathogenic.

Literature cited by the submitters: PubMed 17407155.

NM_000057.4(BLM):c.3634G>T (p.Glu1212Ter)

Gene: BLM (BLM RecQ like helicase; plus strand). Cytogenetic location: 15q26.1.
Variant type: single nucleotide variant.
Coding change: c.3634G>T on transcript NM_000057.4 (MANE Select); coding-DNA position 3634, G replaced by T.
Protein change: p.Glu1212Ter; replaces glutamic acid 1212 with a stop codon.
Molecular consequence: nonsense. On other transcripts: intron variant (1).
Genome position (GRCh38, 1-based): chr15:90,804,242, G>T. VCF-style: chr15-90804242-G-T. GRCh37 (hg19) VCF-style: chr15-91347472-G-T.
Other names: c.3634G>T, p.Glu1212Ter (NM_001287246.2); c.2509G>T, p.Glu837Ter (NM_001287248.2); c.3359-4895G>T (NM_001287247.2); short protein forms E1212*, E837*.
Identifiers: ClinVar variation 1070833 (VCV001070833.7), dbSNP rs1897234496, ClinGen allele CA393848047.